The following is an entry in ClinVar:

NM_001349206.2(LPIN1):c.1784del (p.Gly595fs)

Gene: LPIN1 (lipin 1; plus strand). Cytogenetic location: 2p25.1.
Variant type: Deletion.
Coding change: c.1784del on transcript NM_001349206.2 (MANE Select); coding-DNA position 1784, one base deleted (G; older notation c.1784delG).
Protein change: p.Gly595fs; shifts the reading frame from glycine 595.
Molecular consequence: frameshift variant. On other transcripts: non-coding transcript variant (1).
Genome position (GRCh38, 1-based): chr2:11,791,984, G deleted; the last of 4 consecutive G bases (chr2:11,791,981-11,791,984); deleting any one gives the same sequence. VCF-style (leftmost placement, unchanged base first): chr2-11791980-AG-A. GRCh37 (hg19) VCF-style: chr2-11932106-AG-A.
Other names: c.1694del, p.Gly565fs (NM_001261427.3); c.1931del, p.Gly644fs (NM_001261428.3); c.1676del, p.Gly559fs (NM_001349199.2, NM_145693.4); c.1754del, p.Gly585fs (NM_001349200.2, NM_001349201.2); c.1781del, p.Gly594fs (NM_001349202.2, NM_001349203.2); c.1784del, p.Gly595fs (NM_001349204.2, NM_001349205.2); c.1874del, p.Gly625fs (NM_001349207.2); c.1823del, p.Gly608fs (NM_001349208.2); short protein forms G585fs, G608fs, G559fs, G625fs, G594fs, G595fs, G644fs, G565fs.
Identifiers: ClinVar variation 1951473 (VCV001951473.5), dbSNP rs2546171803, ClinGen allele CA2580063613.

ClinVar aggregate classification (germline): Pathogenic (1 of 4 stars; one submission).

Submission:

Labcorp Genetics (formerly Invitae), Labcorp
Classification: Pathogenic. Last evaluated: 2024-02-07. Review status: criteria provided, single submitter. Criteria: Invitae Variant Classification Sherloc (09022015). Collection method: clinical testing. Allele origin: germline.
Comment: This sequence change creates a premature translational stop signal (p.Gly559Glufs*36) in the LPIN1 gene. It is expected to result in an absent or disrupted protein product. Loss-of-function variants in LPIN1 are known to be pathogenic (PMID: 18817903, 20583302, 22481384, 26111941). This variant is not present in population databases (gnomAD no frequency). This variant has not been reported in the literature in individuals affected with LPIN1-related conditions. ClinVar contains an entry for this variant (Variation ID: 1951473). For these reasons, this variant has been classified as Pathogenic.

Literature cited by the submitters: PubMed 18817903; PubMed 20583302; PubMed 22481384; PubMed 26111941.